The following is an entry in ClinVar:

ClinVar aggregate classification (germline): Uncertain significance. Review status: criteria provided, multiple submitters, no conflicts (2 of 4 stars). 2 submissions from 2 submitters: Uncertain significance (2). Last evaluated 2023-03-17.

Conditions:
Fanconi anemia complementation group O. Also called: RAD51C-Related Fanconi Anemia. Identifiers: Orphanet 84, MedGen C3150653, MONDO:0013248, OMIM 613390.
Hereditary cancer-predisposing syndrome. Also called: Hereditary neoplastic syndrome; Tumor predisposition; Neoplastic Syndromes, Hereditary; Hereditary Cancer Syndrome. Identifiers: Orphanet 140162, MedGen C0027672, MeSH D009386, MONDO:0015356.

Submissions (2):

Ambry Genetics
Classification: Uncertain significance for Hereditary cancer-predisposing syndrome. Last evaluated: 2023-03-17. Review status: criteria provided, single submitter. Criteria: Ambry Variant Classification Scheme 2023. Collection method: clinical testing. Allele origin: germline.
Comment: The p.A295D variant (also known as c.884C>A), located in coding exon 6 of the RAD51C gene, results from a C to A substitution at nucleotide position 884. The alanine at codon 295 is replaced by aspartic acid, an amino acid with dissimilar properties. This amino acid position is well conserved in available vertebrate species. In addition, this alteration is predicted to be tolerated by in silico analysis. Since supporting evidence is limited at this time, the clinical significance of this alteration remains unclear.

Labcorp Genetics (formerly Invitae), Labcorp
Classification: Uncertain significance for Fanconi anemia complementation group O. Last evaluated: 2022-08-31. Review status: criteria provided, single submitter. Criteria: Invitae Variant Classification Sherloc (09022015). Collection method: clinical testing. Allele origin: germline.
Comment: This sequence change replaces alanine, which is neutral and non-polar, with aspartic acid, which is acidic and polar, at codon 295 of the RAD51C protein (p.Ala295Asp). This variant is not present in population databases (gnomAD no frequency). This variant has not been reported in the literature in individuals affected with RAD51C-related conditions. Algorithms developed to predict the effect of missense changes on protein structure and function (SIFT, PolyPhen-2, Align-GVGD) all suggest that this variant is likely to be tolerated. In summary, the available evidence is currently insufficient to determine the role of this variant in disease. Therefore, it has been classified as a Variant of Uncertain Significance.

NM_058216.3(RAD51C):c.884C>A (p.Ala295Asp)

Gene: RAD51C (RAD51 paralog C; plus strand). Cytogenetic location: 17q22.
Variant type: single nucleotide variant.
Coding change: c.884C>A on transcript NM_058216.3 (MANE Select); coding-DNA position 884, C replaced by A.
Protein change: p.Ala295Asp; replaces alanine 295 with aspartic acid.
Molecular consequence: missense variant. On other transcripts: non-coding transcript variant (1).
Genome position (GRCh38, 1-based): chr17:58,720,792, C>A. VCF-style: chr17-58720792-C-A. GRCh37 (hg19) VCF-style: chr17-56798153-C-A.
Other names: c.*312C>A (NM_058217.1); short protein forms A295D.
Identifiers: ClinVar variation 1718431 (VCV001718431.7), dbSNP rs1555602136, ClinGen allele CA400359715.